The following is an entry in ClinVar:

NM_000543.5(SMPD1):c.1519_1520del (p.Ser507fs)

Gene: SMPD1 (sphingomyelin phosphodiesterase 1; plus strand). Cytogenetic location: 11p15.4.
Variant type: Deletion.
Coding change: c.1519_1520del on transcript NM_000543.5 (MANE Select); coding-DNA positions 1519 to 1520, 2 bases deleted (TC; older notation c.1519_1520delTC).
Protein change: p.Ser507fs; shifts the reading frame from serine 507.
Molecular consequence: frameshift variant. On other transcripts: 3 prime UTR variant (1), non-coding transcript variant (2).
Genome position (GRCh38, 1-based): chr11:6,394,230-6,394,231, TC deleted; deleting any 2 consecutive bases within chr11:6,394,229-6,394,231 gives the same sequence; the c. name uses the placement nearest the transcript's 3' end. VCF-style (leftmost placement, unchanged base first): chr11-6394228-ACT-A. GRCh37 (hg19) VCF-style: chr11-6415458-ACT-A.
Other names: c.1516_1517del, p.Ser506fs (NM_001007593.3); c.*12_*13del (NM_001318087.2); c.598_599del, p.Ser200fs (NM_001318088.2); c.1387_1388del, p.Ser463fs (NM_001365135.2); short protein forms S200fs, S463fs, S506fs, S507fs.
Identifiers: ClinVar variation 2413049 (VCV002413049.5), dbSNP rs2493822055, ClinGen allele CA2580083967.

ClinVar aggregate classification (germline): Pathogenic/Likely pathogenic. Review status: criteria provided, multiple submitters, no conflicts (2 of 4 stars). 2 submissions from 2 submitters: Pathogenic (1); Likely pathogenic (1). Last evaluated 2024-02-22.

Conditions:
Niemann-Pick disease, type A. Also called: Infantile Neurovisceral ASMD (Niemann-Pick Disease Type A; NPD-A); SPHINGOMYELIN LIPIDOSIS; SPHINGOMYELINASE DEFICIENCY. Identifiers: Orphanet 77292, MedGen C0268242, MONDO:0009756, OMIM 257200. Disease mechanism: loss of function.
Niemann-Pick disease, type B. Also called: Chronic Visceral ASMD (Niemann-Pick Disease Type B; NPD-B). Identifiers: Orphanet 77293, MedGen C0268243, MONDO:0011871, OMIM 607616. Disease mechanism: loss of function.

Submissions (2):

Labcorp Genetics (formerly Invitae), Labcorp
Classification: Pathogenic for Niemann-Pick disease, type B; Niemann-Pick disease, type A. Last evaluated: 2024-02-22. Review status: criteria provided, single submitter. Criteria: Invitae Variant Classification Sherloc (09022015). Collection method: clinical testing. Allele origin: germline.
Comment: This sequence change creates a premature translational stop signal (p.Ser507Argfs*10) in the SMPD1 gene. While this is not anticipated to result in nonsense mediated decay, it is expected to disrupt the last 125 amino acid(s) of the SMPD1 protein. This variant is not present in population databases (gnomAD no frequency). This variant has not been reported in the literature in individuals affected with SMPD1-related conditions. ClinVar contains an entry for this variant (Variation ID: 2413049). Algorithms developed to predict the effect of sequence changes on RNA splicing suggest that this variant may disrupt the consensus splice site. This variant disrupts a region of the SMPD1 protein in which other variant(s) (p.His516Arg) have been determined to be pathogenic (PMID: 31122880, 33675270; Invitae). This suggests that this is a clinically significant region of the protein, and that variants that disrupt it are likely to be disease-causing. For these reasons, this variant has been classified as Pathogenic.

GeneDx
Classification: Likely pathogenic. Last evaluated: 2023-01-25. Review status: criteria provided, single submitter. Criteria: GeneDx Variant Classification Process June 2021. Collection method: clinical testing. Allele origin: germline. Affected: yes.
Comment: Frameshift variant predicted to result in protein truncation, as the last 125 amino acids are replaced with 9 different amino acids, and other loss-of-function variants have been reported downstream in HGMD.; Not observed at significant frequency in large population cohorts (gnomAD); Has not been previously published as pathogenic or benign to our knowledge

Literature cited by the submitters: PubMed 31122880 (cited by Labcorp Genetics (formerly Invitae), Labcorp); PubMed 33675270 (cited by Labcorp Genetics (formerly Invitae), Labcorp).